The following is an entry in ClinVar:

NM_002880.4(RAF1):c.746G>T (p.Gly249Val)

Gene: RAF1 (Raf-1 proto-oncogene, serine/threonine kinase; minus strand). Cytogenetic location: 3p25.2.
Variant type: single nucleotide variant.
Coding change: c.746G>T on transcript NM_002880.4 (MANE Select); coding-DNA position 746, G replaced by T.
Protein change: p.Gly249Val; replaces glycine 249 with valine.
Molecular consequence: missense variant. On other transcripts: non-coding transcript variant (3).
Genome position (GRCh38, 1-based): chr3:12,604,224, C>A on the plus strand (G>T on the coding strand, the complement: RAF1 is on the minus strand). VCF-style: chr3-12604224-C-A. GRCh37 (hg19) VCF-style: chr3-12645723-C-A.
Other names: c.746G>T, p.Gly249Val (NM_001354689.3, NM_001354690.3); c.503G>T, p.Gly168Val (NM_001354691.3, NM_001354692.3, NM_001354694.3); c.647G>T, p.Gly216Val (NM_001354693.3); c.404G>T, p.Gly135Val (NM_001354695.3); short protein forms G249V, G168V, G135V, G216V.
Identifiers: ClinVar variation 567809 (VCV000567809.8), dbSNP rs1559426289, ClinGen allele CA351512662.

ClinVar aggregate classification (germline): Uncertain significance (1 of 4 stars; one submission).

Conditions:
RASopathy. Also called: rasopathies; Noonan spectrum disorder. Identifiers: Orphanet 536391, MedGen C5555857, MONDO:0021060.

Allele frequency attached by ClinVar (database versions not stated): TOPMed below 0.00001.

Submission:

Labcorp Genetics (formerly Invitae), Labcorp
Classification: Uncertain significance for RASopathy. Last evaluated: 2018-04-30. Review status: criteria provided, single submitter. Criteria: Invitae Variant Classification Sherloc (09022015). Collection method: clinical testing. Allele origin: germline.
Comment: This sequence change replaces glycine with valine at codon 249 of the RAF1 protein (p.Gly249Val). The glycine residue is moderately conserved and there is a moderate physicochemical difference between glycine and valine. This variant is not present in population databases (ExAC no frequency). This variant has not been reported in the literature in individuals with RAF1-related disease. Algorithms developed to predict the effect of missense changes on protein structure and function (SIFT, PolyPhen-2, Align-GVGD) all suggest that this variant is likely to be tolerated, but these predictions have not been confirmed by published functional studies and their clinical significance is uncertain. In summary, the available evidence is currently insufficient to determine the role of this variant in disease. Therefore, it has been classified as a Variant of Uncertain Significance.